The following is an entry in ClinVar:

NM_005475.3(SH2B3):c.112G>C (p.Ala38Pro)

Gene: SH2B3 (SH2B adaptor protein 3; plus strand). Cytogenetic location: 12q24.12.
Variant type: single nucleotide variant.
Coding change: c.112G>C on transcript NM_005475.3 (MANE Select); coding-DNA position 112, G replaced by C.
Protein change: p.Ala38Pro; replaces alanine 38 with proline.
Molecular consequence: missense variant.
Genome position (GRCh38, 1-based): chr12:111,418,257, G>C. VCF-style: chr12-111418257-G-C. GRCh37 (hg19) VCF-style: chr12-111856061-G-C.
Other names: short protein forms A38P.
Identifiers: ClinVar variation 4630696 (VCV004630696.1).

ClinVar aggregate classification (germline): Uncertain significance (1 of 4 stars; one submission).

Conditions:
Inborn genetic diseases. Identifiers: MedGen C0950123, MeSH D030342.

Submission:

Ambry Genetics
Classification: Uncertain significance for Inborn genetic diseases. Last evaluated: 2025-09-27. Review status: criteria provided, single submitter. Criteria: Ambry Variant Classification Scheme 2023. Collection method: clinical testing. Allele origin: germline.
Comment: The p.A38P variant (also known as c.112G>C), located in coding exon 1 of the SH2B3 gene, results from a G to C substitution at nucleotide position 112. The alanine at codon 38 is replaced by proline, an amino acid with highly similar properties. This amino acid position is conserved. In addition, the in silico prediction for this alteration is inconclusive. Based on the available evidence, the clinical significance of this variant remains unclear.